The following is an entry in ClinVar:

ClinVar aggregate classification (germline): Uncertain significance (1 of 4 stars; one submission).

Submission:

Ambry Genetics
Classification: Uncertain significance. Last evaluated: 2025-07-17. Review status: criteria provided, single submitter. Criteria: Ambry Variant Classification Scheme 2023. Collection method: clinical testing. Allele origin: germline.
Comment: The p.G1398A variant (also known as c.4193G>C), located in coding exon 19 of the WNK2 gene, results from a G to C substitution at nucleotide position 4193. The glycine at codon 1398 is replaced by alanine, an amino acid with similar properties. This amino acid position is conserved. In addition, this alteration is predicted to be tolerated by in silico analysis. Based on the available evidence, the clinical significance of this variant remains unclear.

NM_006648.4(WNK2):c.4193G>C (p.Gly1398Ala)

Gene: WNK2 (WNK lysine deficient protein kinase 2; plus strand). Cytogenetic location: 9q22.31.
Variant type: single nucleotide variant.
Coding change: c.4193G>C on transcript NM_006648.4 (MANE Select); coding-DNA position 4193, G replaced by C.
Protein change: p.Gly1398Ala; replaces glycine 1398 with alanine.
Molecular consequence: missense variant.
Genome position (GRCh38, 1-based): chr9:93,288,947, G>C. VCF-style: chr9-93288947-G-C. GRCh37 (hg19) VCF-style: chr9-96051229-G-C.
Other names: c.4304G>C, p.Gly1435Ala (NM_001282394.3); short protein forms G1398A, G1435A.
Identifiers: ClinVar variation 4201637 (VCV004201637.1).
Genomic context (GRCh38, chr9:93,288,947, plus strand): 5'-GGGCACCCCCAGCCCCTTTGGCCCCCTCCTCCCCTCCTGTGACTGCTCTGCCCCAAGATG[G>C]AGCAGCTCCAGCCACCAGCACCATGCCAGAGCCAGCGTCAGGAACTGCCAGCCAGGCAGG-3'
Protein context (NP_006639.3, residues 1388-1408): SPPVTALPQD[Gly1398Ala]AAPATSTMPE